The following is an entry in ClinVar:

ClinVar aggregate classification (germline): Uncertain significance (1 of 4 stars; one submission).

Submission:

GeneDx
Classification: Uncertain significance. Last evaluated: 2017-11-24. Review status: criteria provided, single submitter. Criteria: GeneDx Variant Classification (06012015). Collection method: clinical testing. Allele origin: germline. Affected: yes.
Comment: The c.832dupA variant has not been reported previously as a pathogenic variant nor as a benign variant, to our knowledge. The c.832dupA variant causes a frameshift starting with codon Isoleucine 278, changes this amino acid to a Asparagine residue, and creates a premature Stop codon at position 20 of the new reading frame, denoted p.Ile278AsnfsX20. This variant is predicted to cause loss of normal protein function through protein truncation as the last 77 amino acids are lost and replaced with 19 incorrect amino acids. The c.832dupA variant is not observed in large population cohorts (Lek et al., 2016).

NM_002069.6(GNAI1):c.832dup (p.Ile278fs)

Gene: GNAI1 (G protein subunit alpha i1; plus strand). Cytogenetic location: 7q21.11.
Variant type: Duplication.
Coding change: c.832dup on transcript NM_002069.6 (MANE Select); coding-DNA position 832, one base duplicated (A; older notation c.832dupA).
Protein change: p.Ile278fs; shifts the reading frame from isoleucine 278.
Molecular consequence: frameshift variant.
Genome position (GRCh38, 1-based): chr7:80,212,827, A duplicated; the last of 6 consecutive A bases (chr7:80,212,822-80,212,827); duplicating any one gives the same sequence. VCF-style (leftmost placement, unchanged base first): chr7-80212821-G-GA. GRCh37 (hg19) VCF-style: chr7-79842137-G-GA.
Other names: c.832dupA (NM_002069.5); c.676dup, p.Ile226fs (NM_001256414.2); short protein forms I278fs, I226fs.
Identifiers: ClinVar variation 503827 (VCV000503827.2), dbSNP rs1244226395, ClinGen allele CA575882515.